The following is an entry in ClinVar:

NM_001289104.2(PRKCSH):c.*181G>A

Gene: PRKCSH (PRKCSH beta subunit of glucosidase II; plus strand). Cytogenetic location: 19p13.2.
Variant type: single nucleotide variant.
Coding change: c.*181G>A on transcript NM_001289104.2 (MANE Select); 181 bases downstream of the stop codon, G replaced by A.
Molecular consequence: 3 prime UTR variant.
Genome position (GRCh38, 1-based): chr19:11,450,810, G>A. VCF-style: chr19-11450810-G-A. GRCh37 (hg19) VCF-style: chr19-11561625-G-A.
Other names: c.*181G>A (NM_001001329.3, NM_001289102.2, NM_001289103.2 and 3 more transcripts).
Identifiers: ClinVar variation 328200 (VCV000328200.5), dbSNP rs1803607, ClinGen allele CA10648285.

ClinVar aggregate classification (germline): Benign (1 of 4 stars; one submission).

Conditions:
Polycystic liver disease 1 (PCLD1). Also called: Polycystic liver disease 1 with or without kidney cysts. Identifiers: Orphanet 2924, MedGen C0887850, MONDO:0008265, OMIM 174050.

Allele frequency attached by ClinVar (database versions not stated): 1000 Genomes Project 30x 0.02295; TOPMed 0.02547; gnomAD 0.02266 and 0.02447; 1000 Genomes Project 0.02316.

Submission:

Illumina Laboratory Services, Illumina
Classification: Benign for Polycystic liver disease 1. Last evaluated: 2018-01-12. Review status: criteria provided, single submitter. Criteria: ICSL Variant Classification Criteria 13 December 2019. Collection method: clinical testing. Allele origin: germline.
Comment: This variant was observed in the ICSL laboratory as part of a predisposition screen in an ostensibly healthy population. It had not been previously curated by ICSL or reported in the Human Gene Mutation Database (HGMD: prior to June 1st, 2018), and was therefore a candidate for classification through an automated scoring system. Utilizing variant allele frequency, disease prevalence and penetrance estimates, and inheritance mode, an automated score was calculated to assess if this variant is too frequent to cause the disease. Based on the score and internal cut-off values, a variant classified as benign is not then subjected to further curation. The score for this variant resulted in a classification of benign for this disease.